The following is an entry in ClinVar:

ClinVar aggregate classification (germline): Uncertain significance. Review status: criteria provided, multiple submitters, no conflicts (2 of 4 stars). 3 submissions from 3 submitters: Uncertain significance (3). Last evaluated 2026-09-10.

Conditions:
Isolated focal cortical dysplasia type II (FCORD2). Also called: CORTICAL DYSPLASIA OF TAYLOR; Focal cortical dysplasia type II. Identifiers: Orphanet 268994, MedGen C1846385, MONDO:0011818, OMIM 607341, HP:0032051.
Tuberous sclerosis 1 (TSC1). Identifiers: Orphanet 805, MedGen C1854465, MONDO:0008612, OMIM 191100.
Lymphangiomyomatosis (LAM). Also called: Lymphangioleiomyomatosis; Lymphangioleiomyomatosis, somatic. Identifiers: Orphanet 538, MedGen C0751674, MONDO:0011705, OMIM 606690.
Hereditary cancer-predisposing syndrome. Also called: Hereditary Cancer Syndrome; Tumor predisposition; Neoplastic Syndromes, Hereditary; Hereditary neoplastic syndrome. Identifiers: Orphanet 140162, MedGen C0027672, MeSH D009386, MONDO:0015356.

Submissions (3):

Ambry Genetics
Classification: Uncertain significance for Hereditary cancer-predisposing syndrome. Last evaluated: 2026-09-10. Review status: criteria provided, single submitter. Criteria: Ambry Variant Classification Scheme 2023. Collection method: clinical testing. Allele origin: germline.
Comment: The p.L116S variant (also known as c.347T>C), located in coding exon 3 of the TSC1 gene, results from a T to C substitution at nucleotide position 347. The leucine at codon 116 is replaced by serine, an amino acid with dissimilar properties. This amino acid position is conserved. This alteration was observed in a proband diagnosed with renal cell cancer and who met diagnostic criteria for tuberous sclerosis complex (Gupta et al. Hum Pathol 2022 Nov;129:123-139.). In addition, this alteration is predicted to be deleterious by in silico analysis. Based on the available evidence, the clinical significance of this variant remains unclear.

Fulgent Genetics
Classification: Uncertain significance for Tuberous sclerosis 1; Lymphangiomyomatosis; Isolated focal cortical dysplasia type II. Last evaluated: 2024-04-23. Review status: criteria provided, single submitter. Criteria: ACMG Guidelines, 2015. Collection method: clinical testing. Allele origin: germline.

Labcorp Genetics (formerly Invitae), Labcorp
Classification: Uncertain significance for Tuberous sclerosis 1. Last evaluated: 2021-02-09. Review status: criteria provided, single submitter. Criteria: Invitae Variant Classification Sherloc (09022015). Collection method: clinical testing. Allele origin: germline.
Comment: In summary, the available evidence is currently insufficient to determine the role of this variant in disease. Therefore, it has been classified as a Variant of Uncertain Significance. Algorithms developed to predict the effect of missense changes on protein structure and function are either unavailable or do not agree on the potential impact of this missense change (SIFT: "Deleterious"; PolyPhen-2: "Probably Damaging"; Align-GVGD: "Class C0"). This variant has not been reported in the literature in individuals with TSC1-related conditions. This variant is not present in population databases (ExAC no frequency). This sequence change replaces leucine with serine at codon 116 of the TSC1 protein (p.Leu116Ser). The leucine residue is highly conserved and there is a large physicochemical difference between leucine and serine.

Literature cited by the submitters: PubMed 36115585 (cited by Ambry Genetics).

NM_000368.5(TSC1):c.347T>C (p.Leu116Ser)

Gene: TSC1 (TSC complex subunit 1; minus strand). Cytogenetic location: 9q34.13.
Variant type: single nucleotide variant.
Coding change: c.347T>C on transcript NM_000368.5 (MANE Select); coding-DNA position 347, T replaced by C.
Protein change: p.Leu116Ser; replaces leucine 116 with serine.
Molecular consequence: missense variant. On other transcripts: 5 prime UTR variant (1), intron variant (1).
Genome position (GRCh38, 1-based): chr9:132,925,603, A>G on the plus strand (T>C on the coding strand, the complement: TSC1 is on the minus strand). VCF-style: chr9-132925603-A-G. GRCh37 (hg19) VCF-style: chr9-135800990-A-G.
Other names: c.347T>C, p.Leu116Ser (NM_001162426.2); c.-17T>C (NM_001362177.2); c.210+1598T>C (NM_001162427.2); short protein forms L116S.
Identifiers: ClinVar variation 1502040 (VCV001502040.12), dbSNP rs2132230247, ClinGen allele CA375374345.